The following is an entry in ClinVar:

NM_000051.4(ATM):c.2554dup (p.Gln852fs)

Gene: ATM (ATM serine/threonine kinase; plus strand). Cytogenetic location: 11q22.3.
Variant type: Duplication.
Coding change: c.2554dup on transcript NM_000051.4 (MANE Select); coding-DNA position 2554, one base duplicated (C; older notation c.2554dupC).
Protein change: p.Gln852fs; shifts the reading frame from glutamine 852.
Molecular consequence: frameshift variant.
Genome position (GRCh38, 1-based): chr11:108,267,258, C duplicated. VCF-style (leftmost placement, unchanged base first): chr11-108267257-T-TC. GRCh37 (hg19) VCF-style: chr11-108137984-T-TC.
Other names: c.2554dup, p.Gln852fs (NM_001351834.2); short protein forms Q852fs.
Identifiers: ClinVar variation 1801584 (VCV001801584.4), dbSNP rs2135507546, ClinGen allele CA2580083003.

ClinVar aggregate classification (germline): Pathogenic. Review status: criteria provided, single submitter (1 of 4 stars). 2 submissions from 2 submitters: Pathogenic (1). 1 of the submissions does not count toward it. Last evaluated 2025-11-25.

Conditions:
Gastric cancer. Also called: Malignant tumor of stomach; Stomach cancer. Identifiers: MedGen C0024623, MeSH D013274, MONDO:0001056, OMIM 613659, HP:0012126.
Ataxia-telangiectasia syndrome (AT). Also called: Ataxia telangiectasia (A-T); Ataxia-telangiectasia, complementation group E; LOUIS-BAR SYNDROME; Cerebello-oculocutaneous telangiectasia; Immunodeficiency with ataxia telangiectasia; Ataxia-telangiectasia, complementation group D. Identifiers: Orphanet 100, MedGen C0004135, MONDO:0008840, OMIM 208900.

Allele frequency attached by ClinVar (database versions not stated): gnomAD exomes below 0.00001.

Submissions (2):

Labcorp Genetics (formerly Invitae), Labcorp
Classification: Pathogenic for Ataxia-telangiectasia syndrome. Last evaluated: 2025-11-25. Review status: criteria provided, single submitter. Criteria: Invitae Variant Classification Sherloc (09022015). Collection method: clinical testing. Allele origin: germline.
Comment: This sequence change creates a premature translational stop signal (p.Gln852Profs*8) in the ATM gene. It is expected to result in an absent or disrupted protein product. Loss-of-function variants in ATM are known to be pathogenic (PMID: 23807571, 25614872). This variant is not present in population databases (gnomAD no frequency). This premature translational stop signal has been observed in individual(s) with breast cancer (PMID: 30287823). ClinVar contains an entry for this variant (Variation ID: 1801584). For these reasons, this variant has been classified as Pathogenic.

Laboratory for Genotyping Development, RIKEN
Classification: Pathogenic for Gastric cancer. Last evaluated: 2021-07-01. Review status: no assertion criteria provided. Collection method: research. Allele origin: germline. Not counted in ClinVar's aggregate classification.

Literature cited by the submitters: PubMed 23807571 (cited by Labcorp Genetics (formerly Invitae), Labcorp); PubMed 25614872 (cited by Labcorp Genetics (formerly Invitae), Labcorp); PubMed 30287823 (cited by Labcorp Genetics (formerly Invitae), Labcorp); PubMed 36988593 (cited by Laboratory for Genotyping Development, RIKEN).